The following is an entry in ClinVar:

NM_001129820.2(SLFN14):c.2692G>C (p.Ala898Pro)

Gene: SLFN14 (schlafen family member 14; minus strand). Cytogenetic location: 17q12.
Variant type: single nucleotide variant.
Coding change: c.2692G>C on transcript NM_001129820.2 (MANE Select); coding-DNA position 2692, G replaced by C.
Protein change: p.Ala898Pro; replaces alanine 898 with proline.
Molecular consequence: missense variant.
Genome position (GRCh38, 1-based): chr17:35,548,286, C>G on the plus strand (G>C on the coding strand, the complement: SLFN14 is on the minus strand). VCF-style: chr17-35548286-C-G. GRCh37 (hg19) VCF-style: chr17-33875305-C-G.
Other names: short protein forms A898P.
Identifiers: ClinVar variation 453121 (VCV000453121.2), dbSNP rs1555547134, ClinGen allele CA399122694.

ClinVar aggregate classification (germline): Uncertain significance (1 of 4 stars; one submission).

Allele frequency attached by ClinVar (database versions not stated): gnomAD exomes below 0.00001.

Submission:

GeneDx
Classification: Uncertain significance. Last evaluated: 2017-11-06. Review status: criteria provided, single submitter. Criteria: GeneDx Variant Classification (06012015). Collection method: clinical testing. Allele origin: germline. Affected: yes.
Comment: The A898P variant in the SLFN14 gene has not been reported previously as a pathogenic variant, nor as a benign variant, to our knowledge. The A898P variant is not observed in large population cohorts (Lek et al., 2016). The A898P variant is a semi-conservative amino acid substitution, which may impact secondary protein structure as these residues differ in some properties. This substitution occurs at a position that is conserved in mammals. In silico analysis is inconsistent in its predictions as to whether or not the variant is damaging to the protein structure/function. We interpret A898P as a variant of uncertain significance, which may be related to the reported easy bruising in this individual.